The following is an entry in ClinVar:

NM_017449.5(EPHB2):c.78C>T (p.Ser26=)

Gene: EPHB2 (EPH receptor B2; plus strand). Cytogenetic location: 1p36.12.
Variant type: single nucleotide variant.
Coding change: c.78C>T on transcript NM_017449.5 (MANE Select); coding-DNA position 78, C replaced by T.
Protein change: p.Ser26=; no amino-acid change (serine 26 retained).
Molecular consequence: synonymous variant.
Genome position (GRCh38, 1-based): chr1:22,781,437, C>T. VCF-style: chr1-22781437-C-T. GRCh37 (hg19) VCF-style: chr1-23107930-C-T.
Other names: c.78C>T, p.Ser26= (NM_001309192.2, NM_001309193.2, NM_004442.7).
Identifiers: ClinVar variation 3353232 (VCV003353232.1).

ClinVar aggregate classification (germline): Likely benign (0 of 4 stars; one submission).

Conditions:
EPHB2-related disorder. Also called: EPHB2-related condition.

gnomAD v4.1: 123 of 1,614,024 alleles (0.0076%); highest among the groups gnomAD compares: African/African-American, 0.13%; 1 homozygote.

Submission:

PreventionGenetics, part of Exact Sciences
Classification: Likely benign for EPHB2-related condition. Last evaluated: 2024-03-11. Review status: no assertion criteria provided. Collection method: clinical testing. Allele origin: germline.
Comment: This variant is classified as likely benign based on ACMG/AMP sequence variant interpretation guidelines (Richards et al. 2015 PMID: 25741868, with internal and published modifications).